The following is an entry in ClinVar:

ClinVar aggregate classification (germline): Benign (1 of 4 stars; one submission).

Allele frequency attached by ClinVar (database versions not stated): gnomAD exomes 0.00164; 1000 Genomes Project 0.01478; 1000 Genomes Project 30x 0.01593; gnomAD 0.01655 and 0.01790; TOPMed 0.01846.
gnomAD v4.1: 4,293 of 1,212,100 alleles (0.35%); highest among the groups gnomAD compares: African/African-American, 5.9%; 137 homozygotes.

Submission:

GeneDx
Classification: Benign. Last evaluated: 2018-06-14. Review status: criteria provided, single submitter. Criteria: GeneDx Variant Classification (06012015). Collection method: clinical testing. Allele origin: germline. Affected: yes.
Comment: This variant is considered likely benign or benign based on one or more of the following criteria: it is a conservative change, it occurs at a poorly conserved position in the protein, it is predicted to be benign by multiple in silico algorithms, and/or has population frequency not consistent with disease.

NM_020822.3(KCNT1):c.2350-109A>G

Gene: KCNT1 (potassium sodium-activated channel subfamily T member 1; plus strand). Cytogenetic location: 9q34.3.
Variant type: single nucleotide variant.
Coding change: c.2350-109A>G on transcript NM_020822.3 (MANE Select); 109 bases into the intron before coding-DNA position 2350, A replaced by G.
Molecular consequence: intron variant.
Genome position (GRCh38, 1-based): chr9:135,777,229, A>G. VCF-style: chr9-135777229-A-G. GRCh37 (hg19) VCF-style: chr9-138669075-A-G.
Other names: c.2215-109A>G (NM_001272003.2).
Identifiers: ClinVar variation 682431 (VCV000682431.1), dbSNP rs114229286, ClinGen allele CA201480035.